The following is an entry in ClinVar:

ClinVar aggregate classification (germline): Uncertain significance (1 of 4 stars; one submission).

Submission:

Ambry Genetics
Classification: Uncertain significance. Last evaluated: 2026-08-19. Review status: criteria provided, single submitter. Criteria: Ambry Variant Classification Scheme 2023. Collection method: clinical testing. Allele origin: germline.
Comment: The p.K560M variant (also known as c.1679A>T), located in coding exon 8 of the RNF43 gene, results from an A to T substitution at nucleotide position 1679. The lysine at codon 560 is replaced by methionine, an amino acid with similar properties. This amino acid position is conserved. In addition, this alteration is predicted to be tolerated by in silico analysis. Based on the available evidence, the clinical significance of this variant remains unclear.

NM_017763.6(RNF43):c.1679A>T (p.Lys560Met)

Gene: RNF43 (ring finger protein 43; minus strand). Cytogenetic location: 17q22.
Variant type: single nucleotide variant.
Coding change: c.1679A>T on transcript NM_017763.6 (MANE Select); coding-DNA position 1679, A replaced by T.
Protein change: p.Lys560Met; replaces lysine 560 with methionine.
Molecular consequence: missense variant.
Genome position (GRCh38, 1-based): chr17:58,358,097, T>A on the plus strand (A>T on the coding strand, the complement: RNF43 is on the minus strand). VCF-style: chr17-58358097-T-A. GRCh37 (hg19) VCF-style: chr17-56435458-T-A.
Other names: c.1679A>T, p.Lys560Met (NM_001305544.3, NM_001438820.1, NM_001438821.1 and 1 more transcripts); c.1298A>T, p.Lys433Met (NM_001305545.2, NM_001437987.1); short protein forms K433M, K560M.
Identifiers: ClinVar variation 5028350 (VCV005028350.1).